The following is an entry in ClinVar:

ClinVar aggregate classification (germline): Uncertain significance. Review status: criteria provided, multiple submitters, no conflicts (2 of 4 stars). 3 submissions from 3 submitters: Uncertain significance (3). Last evaluated 2025-11-20.

Conditions:
Inborn genetic diseases. Identifiers: MedGen C0950123, MeSH D030342.

Allele frequency attached by ClinVar (database versions not stated): gnomAD 0.00001 and 0.00002; TOPMed 0.00002; gnomAD exomes 0.00004 and 0.00005; ExAC 0.00007; 1000 Genomes Project 30x 0.00016; ESP Exome Variant Server 0.00023.
gnomAD v4.1: 55 of 1,612,692 alleles (0.0034%); highest among the groups gnomAD compares: South Asian, 0.022%; no homozygotes.

Submissions (3):

Ambry Genetics
Classification: Uncertain significance for Inborn genetic diseases. Last evaluated: 2025-11-20. Review status: criteria provided, single submitter. Criteria: Ambry Variant Classification Scheme 2023. Collection method: clinical testing. Allele origin: germline.

Blueprint Genetics
Classification: Uncertain significance. Last evaluated: 2021-10-08. Review status: criteria provided, single submitter. Criteria: ACMG Guidelines, 2015. Collection method: clinical testing. Allele origin: germline.

Labcorp Genetics (formerly Invitae), Labcorp
Classification: Uncertain significance. Last evaluated: 2021-08-31. Review status: criteria provided, single submitter. Criteria: Invitae Variant Classification Sherloc (09022015). Collection method: clinical testing. Allele origin: germline.
Comment: This sequence change replaces arginine with cysteine at codon 529 of the P3H2 protein (p.Arg529Cys). The arginine residue is highly conserved and there is a large physicochemical difference between arginine and cysteine. This variant is present in population databases (rs150499475, ExAC 0.02%). This variant has not been reported in the literature in individuals affected with P3H2-related conditions. Algorithms developed to predict the effect of missense changes on protein structure and function are either unavailable or do not agree on the potential impact of this missense change (SIFT: "Deleterious"; PolyPhen-2: "Possibly Damaging"; Align-GVGD: "Class C15"). In summary, the available evidence is currently insufficient to determine the role of this variant in disease. Therefore, it has been classified as a Variant of Uncertain Significance.

NM_018192.4(P3H2):c.1585C>T (p.Arg529Cys)

Gene: P3H2 (prolyl 3-hydroxylase 2; minus strand). Cytogenetic location: 3q28.
Variant type: single nucleotide variant.
Coding change: c.1585C>T on transcript NM_018192.4 (MANE Select); coding-DNA position 1585, C replaced by T.
Protein change: p.Arg529Cys; replaces arginine 529 with cysteine.
Molecular consequence: missense variant.
Genome position (GRCh38, 1-based): chr3:189,972,988, G>A on the plus strand (C>T on the coding strand, the complement: P3H2 is on the minus strand). VCF-style: chr3-189972988-G-A. GRCh37 (hg19) VCF-style: chr3-189690777-G-A.
Other names: c.1042C>T, p.Arg348Cys (NM_001134418.2); short protein forms R348C, R529C.
Identifiers: ClinVar variation 953499 (VCV000953499.7), dbSNP rs150499475, ClinGen allele CA2752838.
Genomic context (GRCh38, chr3:189,972,988, plus strand): 5'-TCAGCATAAAATAAGATTCTACAATCCTTCGAGCCTTTTCGCTGATGTCATAAAACAGAC[G>A]AGCGCTCTTCAGTGGGACTCGACCTTCATAACCAGACTGAAAAAAAAAAACAAAACATGA-3'
Protein context (NP_060662.2, residues 519-539): YEGRVPLKSA[Arg529Cys]LFYDISEKAR